The following is an entry in ClinVar:

ClinVar aggregate classification (germline): Uncertain significance. Review status: criteria provided, multiple submitters, no conflicts (2 of 4 stars). 2 submissions from 2 submitters: Uncertain significance (2). Last evaluated 2025-10-28.

Conditions:
SLC27A5-related disorder. Also called: SLC27A5-related condition.

Allele frequency attached by ClinVar (database versions not stated): ExAC 0.00002; gnomAD 0.00002; gnomAD exomes 0.00002; TOPMed 0.00003.
gnomAD v4.1: 36 of 1,613,894 alleles (0.0022%); highest among the groups gnomAD compares: Middle Eastern, 0.016%; no homozygotes.

Submissions (2):

PreventionGenetics, part of Exact Sciences
Classification: Uncertain significance for SLC27A5-related condition. Last evaluated: 2025-10-28. Review status: criteria provided, single submitter. Criteria: ACMG Guidelines, 2015. Collection method: clinical testing. Allele origin: germline.
Comment: The SLC27A5 c.2002C>T variant is predicted to result in the amino acid substitution p.Arg668Trp. To our knowledge, this variant has not been reported in the literature. This variant is reported in 0.0044% of alleles in individuals of European (Non-Finnish) descent in gnomAD. At this time, the clinical significance of this variant is uncertain due to the absence of conclusive functional and genetic evidence.

Ambry Genetics
Classification: Uncertain significance. Last evaluated: 2022-08-03. Review status: criteria provided, single submitter. Criteria: Ambry Variant Classification Scheme 2023. Collection method: clinical testing. Allele origin: germline.

NM_012254.3(SLC27A5):c.2002C>T (p.Arg668Trp)

Gene: SLC27A5 (solute carrier family 27 member 5; minus strand). Cytogenetic location: 19q13.43.
Variant type: single nucleotide variant.
Coding change: c.2002C>T on transcript NM_012254.3 (MANE Select); coding-DNA position 2002, C replaced by T.
Protein change: p.Arg668Trp; replaces arginine 668 with tryptophan.
Molecular consequence: missense variant.
Genome position (GRCh38, 1-based): chr19:58,498,586, G>A on the plus strand (C>T on the coding strand, the complement: SLC27A5 is on the minus strand). VCF-style: chr19-58498586-G-A. GRCh37 (hg19) VCF-style: chr19-59009953-G-A.
Other names: c.1750C>T, p.Arg584Trp (NM_001321196.2); short protein forms R668W, R584W.
Identifiers: ClinVar variation 2305347 (VCV002305347.3), dbSNP rs761821409, ClinGen allele CA9717747.